The following is an entry in ClinVar:

ClinVar aggregate classification (germline): Benign/Likely benign. Review status: criteria provided, multiple submitters, no conflicts (2 of 4 stars). 4 submissions from 4 submitters: Benign (2); Likely benign (2). Last evaluated 2026-01-06.

Conditions:
Primary ciliary dyskinesia. Also called: Ciliary dyskinesia. Identifiers: Orphanet 244, MedGen C0008780, MONDO:0016575, HP:0012265.

Allele frequency attached by ClinVar (database versions not stated): gnomAD exomes 0.00078; ExAC 0.00095; gnomAD 0.00246 and 0.00262; TOPMed 0.00260; ESP Exome Variant Server 0.00315; 1000 Genomes Project 0.00379; 1000 Genomes Project 30x 0.00390.

Submissions (4):

Labcorp Genetics (formerly Invitae), Labcorp
Classification: Benign for Primary ciliary dyskinesia. Last evaluated: 2026-01-06. Review status: criteria provided, single submitter. Criteria: Invitae Variant Classification Sherloc (09022015). Collection method: clinical testing. Allele origin: germline.

Blueprint Genetics
Classification: Likely benign. Last evaluated: 2024-10-09. Review status: criteria provided, single submitter. Criteria: ACMG Guidelines, 2015. Collection method: clinical testing. Allele origin: germline.

CeGaT Center for Human Genetics Tuebingen
Classification: Likely benign. Last evaluated: 2022-10-01. Review status: criteria provided, single submitter. Criteria: CeGaT Center For Human Genetics Tuebingen Variant Classification Criteria Version 2. Collection method: clinical testing. Allele origin: germline. Affected: yes. Observed: 1 variant allele.
Comment: RSPH1: BP4, BS2

Breakthrough Genomics
Classification: Benign. Review status: criteria provided, single submitter. Criteria: ACMG Guidelines, 2015. Collection method: not provided. Allele origin: germline. Inheritance: Autosomal recessive inheritance. Affected: yes.

NM_080860.4(RSPH1):c.730G>A (p.Ala244Thr)

Gene: RSPH1 (radial spoke head component 1; minus strand). Cytogenetic location: 21q22.3.
Variant type: single nucleotide variant.
Coding change: c.730G>A on transcript NM_080860.4 (MANE Select); coding-DNA position 730, G replaced by A.
Protein change: p.Ala244Thr; replaces alanine 244 with threonine.
Molecular consequence: missense variant.
Genome position (GRCh38, 1-based): chr21:42,476,045, C>T on the plus strand (G>A on the coding strand, the complement: RSPH1 is on the minus strand). VCF-style: chr21-42476045-C-T. GRCh37 (hg19) VCF-style: chr21-43896155-C-T.
Other names: c.616G>A, p.Ala206Thr (NM_001286506.2); short protein forms A244T, A206T.
Identifiers: ClinVar variation 241790 (VCV000241790.38), dbSNP rs150400022, ClinGen allele CA10043759.